The following is an entry in ClinVar:

ClinVar aggregate classification (germline): Uncertain significance (1 of 4 stars; one submission).

Submission:

Labcorp Genetics (formerly Invitae), Labcorp
Classification: Uncertain significance. Last evaluated: 2022-08-16. Review status: criteria provided, single submitter. Criteria: Invitae Variant Classification Sherloc (09022015). Collection method: clinical testing. Allele origin: germline.
Comment: A copy number gain of the genomic region encompassing the full coding sequence of the GSC gene has been identified. The boundaries of this event are unknown as they extend beyond the assayed region for this gene and therefore may encompass additional genes. As the precise location of this event is unknown, it may be in tandem or it may be located elsewhere in the genome. This variant has not been reported in the literature in individuals affected with GSC-related conditions. In summary, the available evidence is currently insufficient to determine the role of this variant in disease. Therefore, it has been classified as a Variant of Uncertain Significance.

NC_000014.8:g.(?_95080779)_(97347545_?)dup

Genes: AK7 (adenylate kinase 7; plus strand), ATG2B (autophagy related 2B; minus strand), BDKRB1 (bradykinin receptor B1; plus strand), BDKRB2 (bradykinin receptor B2; plus strand), C14orf132 (chromosome 14 open reading frame 132; plus strand) and 14 more. Cytogenetic location: 14q32.13-32.2.
Variant type: Duplication.
Identifiers: ClinVar variation 2427518 (VCV002427518.3).